The following is an entry in ClinVar:

NM_002576.5(PAK1):c.1512G>A (p.Met504Ile)

Gene: PAK1 (p21 (RAC1) activated kinase 1; minus strand). Cytogenetic location: 11q13.5.
Variant type: single nucleotide variant.
Coding change: c.1512G>A on transcript NM_002576.5 (MANE Select); coding-DNA position 1512, G replaced by A.
Protein change: p.Met504Ile; replaces methionine 504 with isoleucine.
Molecular consequence: missense variant. On other transcripts: intron variant (4), non-coding transcript variant (1).
Genome position (GRCh38, 1-based): chr11:77,332,769, C>T on the plus strand (G>A on the coding strand, the complement: PAK1 is on the minus strand). VCF-style: chr11-77332769-C-T. GRCh37 (hg19) VCF-style: chr11-77043814-C-T.
Other names: c.1413+3317G>A (NM_001376293.1, NM_001376292.1, NM_001376289.1); c.1404+3317G>A (NM_001376294.1); c.1218G>A, p.Met406Ile (NM_001376305.1, NM_001376302.1, NM_001376304.1); c.1512G>A, p.Met504Ile (NM_001128620.2, NM_001376268.1, NM_001376269.1 and 18 more transcripts); c.1533G>A, p.Met511Ile (NM_001376272.1); c.1389G>A, p.Met463Ile (NM_001376290.1, NM_001376291.1); c.1335G>A, p.Met445Ile (NM_001376295.1); c.1263G>A, p.Met421Ile (NM_001376301.1); and 1 more; short protein forms M406I, M408I, M421I, M445I, M463I, M504I, M511I.
Identifiers: ClinVar variation 5018816 (VCV005018816.2).

ClinVar aggregate classification (germline): Uncertain significance (1 of 4 stars; one submission).

Conditions:
Intellectual developmental disorder with macrocephaly, seizures, and speech delay. Identifiers: MedGen C4748428, MONDO:0032568, OMIM 618158.

Submission:

Juno Genomics, Hangzhou Juno Genomics, Inc
Classification: Uncertain significance for Intellectual developmental disorder with macrocephaly, seizures, and speech delay. Review status: criteria provided, single submitter. Criteria: ACMG Guidelines, 2015. Collection method: clinical testing. Allele origin: germline.
Comment: Absent from controls (or at extremely low frequency if recessive) in Genome Aggregation Database.;Missense variant in a gene that has a low rate of benign missense variation.